The following is an entry in ClinVar:

NM_000289.6(PFKM):c.1342-14G>T

Gene: PFKM (phosphofructokinase, muscle; plus strand). Cytogenetic location: 12q13.11.
Variant type: single nucleotide variant.
Coding change: c.1342-14G>T on transcript NM_000289.6 (MANE Select); 14 bases into the intron before coding-DNA position 1342, G replaced by T.
Molecular consequence: intron variant.
Genome position (GRCh38, 1-based): chr12:48,141,297, G>T. VCF-style: chr12-48141297-G-T. GRCh37 (hg19) VCF-style: chr12-48535080-G-T.
Other names: c.1366-14G>T (NM_001354741.2); c.1342-14G>T (NM_001354742.2, NM_001354743.2, NM_001354744.2 and 2 more transcripts); c.1192-14G>T (NM_001354747.2, NM_001354748.2); c.1555-14G>T (NM_001166686.2, NM_001354737.1, NM_001354739.1 and 1 more transcripts); c.1651-14G>T (NM_001354736.1, NM_001354735.1); c.1486-14G>T (NM_001354740.1); c.1255-14G>T (NM_001354745.2); c.1216-14G>T (NM_001354746.2); and 1 more.
Identifiers: ClinVar variation 255750 (VCV000255750.33), dbSNP rs56117548, ClinGen allele CA6537327.

ClinVar aggregate classification (germline): Benign. Review status: criteria provided, multiple submitters, no conflicts (2 of 4 stars). 8 submissions from 8 submitters: Benign (7). 1 of the submissions does not count toward it. Last evaluated 2026-02-04.

Conditions:
Glycogen storage disease, type VII (GSD7). Also called: MUSCLE PHOSPHOFRUCTOKINASE DEFICIENCY; PFKM DEFICIENCY; TARUI DISEASE; GSD VII. Identifiers: Orphanet 371, MedGen C0017926, MONDO:0009295, OMIM 232800.

Allele frequency attached by ClinVar (database versions not stated): TOPMed 0.01854; gnomAD 0.01990 and 0.02080; ESP Exome Variant Server 0.02076; 1000 Genomes Project 0.02117; 1000 Genomes Project 30x 0.02139; gnomAD exomes 0.02528 and 0.02903; ExAC 0.02644.
gnomAD v4.1: 45,307 of 1,612,984 alleles (2.8%); highest among the groups gnomAD compares: South Asian, 5.6%; 803 homozygotes.

Submissions (8):

Labcorp Genetics (formerly Invitae), Labcorp
Classification: Benign for Glycogen storage disease, type VII. Last evaluated: 2026-02-04. Review status: criteria provided, single submitter. Criteria: Invitae Variant Classification Sherloc (09022015). Collection method: clinical testing. Allele origin: germline.

ARUP Laboratories, Molecular Genetics and Genomics, ARUP Laboratories
Classification: Benign for Glycogen storage disease, type VII. Last evaluated: 2025-07-15. Review status: criteria provided, single submitter. Criteria: ARUP Molecular Germline Variant Investigation Process 2024. Collection method: clinical testing. Allele origin: germline.

Pars Genome Lab
Classification: Benign for Glycogen storage disease, type VII. Last evaluated: 2021-07-01. Review status: criteria provided, single submitter. Criteria: ACMG Guidelines, 2015. Collection method: clinical testing. Allele origin: germline. Affected: no.

Illumina Laboratory Services, Illumina
Classification: Benign for Glycogen storage disease, type VII. Last evaluated: 2018-01-13. Review status: criteria provided, single submitter. Criteria: ICSL Variant Classification Criteria 13 December 2019. Collection method: clinical testing. Allele origin: germline.
Comment: This variant was observed in the ICSL laboratory as part of a predisposition screen in an ostensibly healthy population. It had not been previously curated by ICSL or reported in the Human Gene Mutation Database (HGMD: prior to June 1st, 2018), and was therefore a candidate for classification through an automated scoring system. Utilizing variant allele frequency, disease prevalence and penetrance estimates, and inheritance mode, an automated score was calculated to assess if this variant is too frequent to cause the disease. Based on the score and internal cut-off values, a variant classified as benign is not then subjected to further curation. The score for this variant resulted in a classification of benign for this disease.

GeneDx
Classification: Benign. Last evaluated: 2016-02-15. Review status: criteria provided, single submitter. Criteria: GeneDx Variant Classification (06012015). Collection method: clinical testing. Allele origin: germline. Affected: yes.
Comment: This variant is considered likely benign or benign based on one or more of the following criteria: it is a conservative change, it occurs at a poorly conserved position in the protein, it is predicted to be benign by multiple in silico algorithms, and/or has population frequency not consistent with disease.

Breakthrough Genomics
Classification: Benign. Review status: criteria provided, single submitter. Criteria: ACMG Guidelines, 2015. Collection method: not provided. Allele origin: germline. Inheritance: Autosomal recessive inheritance. Affected: yes.

PreventionGenetics, part of Exact Sciences
Classification: Benign. Review status: criteria provided, single submitter. Criteria: ACMG Guidelines, 2015. Collection method: clinical testing. Allele origin: germline.

Mayo Clinic Laboratories, Mayo Clinic
Classification: Benign. Last evaluated: 2018-03-23. Review status: no assertion criteria provided. Collection method: clinical testing. Allele origin: unknown. Not counted in ClinVar's aggregate classification.